The following is an entry in ClinVar:

ClinVar aggregate classification (germline): Uncertain significance (1 of 4 stars; one submission).

Conditions:
Creatine transporter deficiency (CCDS1). Also called: Mental retardation , X-linked with seizures, short stature and midface hypoplasia; Mental retardation , X-linked, with creatine transport deficiency; X-linked creatine transporter deficiency; X-linked creatine deficiency syndrome; SLC6A8-Related Creatine Transporter Deficiency; CREATINE TRANSPORTER DEFECT. Identifiers: Orphanet 52503, MedGen C1845862, MONDO:0010305, OMIM 300352.

Submission:

MVZ Medizinische Genetik Mainz
Classification: Uncertain significance for Creatine transporter deficiency. Last evaluated: 2024-12-19. Review status: criteria provided, single submitter. Criteria: UK Practice Guidelines For Variant Classification V4 01 2020. Collection method: clinical testing. Allele origin: germline. Inheritance: X-linked dominant inheritance. Affected: yes. Observed: 1 variant allele.
Comment: ACMG Criteria: PM5,PM2_SUP,PP3

NM_005629.4(SLC6A8):c.965G>A (p.Gly322Glu)

Gene: SLC6A8 (solute carrier family 6 member 8; plus strand). Cytogenetic location: Xq28.
Variant type: single nucleotide variant.
Coding change: c.965G>A on transcript NM_005629.4 (MANE Select); coding-DNA position 965, G replaced by A.
Protein change: p.Gly322Glu; replaces glycine 322 with glutamic acid.
Molecular consequence: missense variant.
Genome position (GRCh38, 1-based): chrX:153,693,315, G>A. VCF-style: chrX-153693315-G-A. GRCh37 (hg19) VCF-style: chrX-152958770-G-A.
Other names: c.965G>A, p.Gly322Glu (NM_001142805.2); c.620G>A, p.Gly207Glu (NM_001142806.1); short protein forms G207E, G322E.
Identifiers: ClinVar variation 3601981 (VCV003601981.1).